The following is an entry in ClinVar:

NM_001042492.3(NF1):c.3708+2dup

Gene: NF1 (neurofibromin 1; plus strand). Cytogenetic location: 17q11.2.
Variant type: Duplication.
Coding change: c.3708+2dup on transcript NM_001042492.3 (MANE Select); the canonical splice donor site of the intron after coding-DNA position 3708, one base duplicated (T; older notation c.3708+2dupT).
Molecular consequence: splice donor variant.
Genome position (GRCh38, 1-based): chr17:31,233,215, T duplicated. VCF-style (leftmost placement, unchanged base first): chr17-31233214-G-GT. GRCh37 (hg19) VCF-style: chr17-29560232-G-GT.
Other names: c.3708+2dupT (NM_000267.3); c.3708+2dup (NM_000267.4).
Identifiers: ClinVar variation 2627443 (VCV002627443.1), dbSNP rs2508241468, ClinGen allele CA2582342155.

ClinVar aggregate classification (germline): Likely pathogenic (1 of 4 stars; one submission).

Conditions:
Neurofibromatosis, type 1 (NF1). Also called: VON RECKLINGHAUSEN DISEASE; NEUROFIBROMATOSIS, TYPE I, SOMATIC; Peripheral type neurofibromatosis; Neurofibromatosis, type I. Identifiers: Orphanet 636, MedGen C0027831, MONDO:0018975, OMIM 162200. Disease mechanism: loss of function.

Submission:

Neuberg Centre For Genomic Medicine, NCGM
Classification: Likely pathogenic for Neurofibromatosis, type 1. Review status: criteria provided, single submitter. Criteria: ACMG Guidelines, 2015. Collection method: clinical testing. Allele origin: germline. Inheritance: Autosomal dominant inheritance. Affected: yes.
Comment: The splice region variant c.3708+2dupT in NF1 (NM_000267.3) has not been reported previously as a pathogenic variant nor as a benign variant, to our knowledge. The c.3708+2dupT variant is novel (not in any individuals) in gnomAD Exomes and is novel (not in any individuals) in 1000 Genomes. The variant affects an invariant splice site and is predicted to disrupt splicing by all splice site algorithms. The nucleotide c.3708+2dupT in NF1 is predicted conserved by GERP++ and PhyloP across 100 vertebrates. For these reasons, this variant has been classified as Likely Pathogenic.